The following is an entry in ClinVar:

NM_032951.3(MLXIPL):c.213C>T (p.Ser71=)

Gene: MLXIPL (MLX interacting protein like; minus strand). Cytogenetic location: 7q11.23.
Variant type: single nucleotide variant.
Coding change: c.213C>T on transcript NM_032951.3 (MANE Select); coding-DNA position 213, C replaced by T.
Protein change: p.Ser71=; no amino-acid change (serine 71 retained).
Molecular consequence: synonymous variant. On other transcripts: non-coding transcript variant (1).
Genome position (GRCh38, 1-based): chr7:73,624,280, G>A on the plus strand (C>T on the coding strand, the complement: MLXIPL is on the minus strand). VCF-style: chr7-73624280-G-A. GRCh37 (hg19) VCF-style: chr7-73038610-G-A.
Other names: c.213C>T, p.Ser71= (NM_032952.3, NM_032953.3, NM_032954.3).
Identifiers: ClinVar variation 2657561 (VCV002657561.24), dbSNP rs80073795, ClinGen allele CA4289630.

ClinVar aggregate classification (germline): Likely benign (1 of 4 stars; one submission).

Allele frequency attached by ClinVar (database versions not stated): ExAC 0.00047; 1000 Genomes Project 30x 0.00078; ESP Exome Variant Server 0.00078; gnomAD 0.00095; 1000 Genomes Project 0.00100; TOPMed 0.00114; gnomAD exomes 0.00011.
gnomAD v4.1: 308 of 1,589,302 alleles (0.019%); highest among the groups gnomAD compares: African/African-American, 0.38%; no homozygotes.

Submission:

CeGaT Center for Human Genetics Tuebingen
Classification: Likely benign. Last evaluated: 2023-02-01. Review status: criteria provided, single submitter. Criteria: CeGaT Center For Human Genetics Tuebingen Variant Classification Criteria Version 2. Collection method: clinical testing. Allele origin: germline. Affected: yes. Observed: 1 variant allele.
Comment: MLXIPL: BP4, BP7